The following is an entry in ClinVar:

ClinVar aggregate classification (germline): Uncertain significance (1 of 4 stars; one submission).

Allele frequency attached by ClinVar (database versions not stated): gnomAD 0.00001; TOPMed 0.00001.
gnomAD v4.1: 2 of 1,609,736 alleles (0.00012%); highest among the groups gnomAD compares: Non-Finnish European, 0.00017%; no homozygotes.

Submission:

Labcorp Genetics (formerly Invitae), Labcorp
Classification: Uncertain significance. Last evaluated: 2022-02-11. Review status: criteria provided, single submitter. Criteria: Invitae Variant Classification Sherloc (09022015). Collection method: clinical testing. Allele origin: germline.
Comment: This variant has not been reported in the literature in individuals affected with PRPF6-related conditions. This variant is not present in population databases (gnomAD no frequency). This sequence change falls in intron 11 of the PRPF6 gene. It does not directly change the encoded amino acid sequence of the PRPF6 protein. It affects a nucleotide within the consensus splice site. Variants that disrupt the consensus splice site are a relatively common cause of aberrant splicing (PMID: 17576681, 9536098). Algorithms developed to predict the effect of sequence changes on RNA splicing suggest that this variant may disrupt the consensus splice site. In summary, the available evidence is currently insufficient to determine the role of this variant in disease. Therefore, it has been classified as a Variant of Uncertain Significance.

Literature cited by the submitters: PubMed 17576681; PubMed 9536098.

NM_012469.4(PRPF6):c.1524+5G>A

Genes: PRPF6 (pre-mRNA processing factor 6; plus strand), LOC126863089 (BRD4-independent group 4 enhancer GRCh37_chr20:62642795-62643994; plus strand). Cytogenetic location: 20q13.33.
Variant type: single nucleotide variant.
Coding change: c.1524+5G>A on transcript NM_012469.4 (MANE Select); 5 bases into the intron after coding-DNA position 1524, G replaced by A.
Molecular consequence: intron variant.
Genome position (GRCh38, 1-based): chr20:64,011,508, G>A. VCF-style: chr20-64011508-G-A. GRCh37 (hg19) VCF-style: chr20-62642861-G-A.
Identifiers: ClinVar variation 1895918 (VCV001895918.5), dbSNP rs1428456885, ClinGen allele CA746542400.